The following is an entry in ClinVar:

ClinVar aggregate classification (germline): Uncertain significance. Review status: criteria provided, multiple submitters, no conflicts (2 of 4 stars). 3 submissions from 3 submitters: Uncertain significance (3). Last evaluated 2025-08-15.

Conditions:
Inborn genetic diseases. Identifiers: MedGen C0950123, MeSH D030342.

Allele frequency attached by ClinVar (database versions not stated): ESP Exome Variant Server 0.00008.
gnomAD v4.1: 102 of 1,613,500 alleles (0.0063%); highest among the groups gnomAD compares: Middle Eastern, 0.033%; no homozygotes.

Submissions (3):

Ambry Genetics
Classification: Uncertain significance for Inborn genetic diseases. Last evaluated: 2025-08-15. Review status: criteria provided, single submitter. Criteria: Ambry Variant Classification Scheme 2023. Collection method: clinical testing. Allele origin: germline.

Labcorp Genetics (formerly Invitae), Labcorp
Classification: Uncertain significance. Last evaluated: 2023-10-13. Review status: criteria provided, single submitter. Criteria: Invitae Variant Classification Sherloc (09022015). Collection method: clinical testing. Allele origin: germline.
Comment: This sequence change replaces alanine, which is neutral and non-polar, with aspartic acid, which is acidic and polar, at codon 774 of the SEC24D protein (p.Ala774Asp). This variant is present in population databases (rs370217528, gnomAD 0.01%). This variant has not been reported in the literature in individuals affected with SEC24D-related conditions. ClinVar contains an entry for this variant (Variation ID: 1448329). An algorithm developed to predict the effect of missense changes on protein structure and function (PolyPhen-2) suggests that this variant¬†is likely to be tolerated. In summary, the available evidence is currently insufficient to determine the role of this variant in disease. Therefore, it has been classified as a Variant of Uncertain Significance.

GeneDx
Classification: Uncertain significance. Last evaluated: 2022-04-19. Review status: criteria provided, single submitter. Criteria: GeneDx Variant Classification Process June 2021. Collection method: clinical testing. Allele origin: germline. Affected: yes.
Comment: In silico analysis supports that this missense variant has a deleterious effect on protein structure/function; Has not been previously published as pathogenic or benign to our knowledge

NM_014822.4(SEC24D):c.2321C>A (p.Ala774Asp)

Gene: SEC24D (SEC24 homolog D, COPII component; minus strand). Cytogenetic location: 4q26.
Variant type: single nucleotide variant.
Coding change: c.2321C>A on transcript NM_014822.4 (MANE Select); coding-DNA position 2321, C replaced by A.
Protein change: p.Ala774Asp; replaces alanine 774 with aspartic acid.
Molecular consequence: missense variant.
Genome position (GRCh38, 1-based): chr4:118,739,205, G>T on the plus strand (C>A on the coding strand, the complement: SEC24D is on the minus strand). VCF-style: chr4-118739205-G-T. GRCh37 (hg19) VCF-style: chr4-119660360-G-T.
Other names: c.2321C>A (NM_014822.2); c.2324C>A, p.Ala775Asp (NM_001318066.2); short protein forms A775D, A774D.
Identifiers: ClinVar variation 1448329 (VCV001448329.10), dbSNP rs370217528, ClinGen allele CA3057009.